The following is an entry in ClinVar:

NM_001458.5(FLNC):c.5944C>T (p.Arg1982Cys)

Genes: FLNC-AS1 (FLNC antisense RNA 1; minus strand), FLNC (filamin C; plus strand). Cytogenetic location: 7q32.1.
Variant type: single nucleotide variant.
Coding change: c.5944C>T on transcript NM_001458.5 (MANE Select); coding-DNA position 5944, C replaced by T.
Protein change: p.Arg1982Cys; replaces arginine 1982 with cysteine.
Molecular consequence: missense variant.
Genome position (GRCh38, 1-based): chr7:128,852,692, C>T. VCF-style: chr7-128852692-C-T. GRCh37 (hg19) VCF-style: chr7-128492746-C-T.
Other names: c.5845C>T, p.Arg1949Cys (NM_001127487.2); short protein forms R1949C, R1982C.
Identifiers: ClinVar variation 707276 (VCV000707276.17), dbSNP rs538779271, ClinGen allele CA4475839.

ClinVar aggregate classification (germline): Conflicting classifications of pathogenicity. Review status: criteria provided, conflicting classifications (1 of 4 stars). 6 submissions from 6 submitters: Uncertain significance (1); Likely benign (5). Last evaluated 2025-12-22.

Conditions:
FLNC-related disorder. Also called: FLNC-related disorders; FLNC-related condition.
Cardiovascular phenotype. Identifiers: MedGen CN230736.
Myofibrillar myopathy 5. Also called: Filaminopathy (type); FILAMINOPATHY, AUTOSOMAL DOMINANT. Identifiers: Orphanet 171445, MedGen C1836050, MONDO:0012289, OMIM 609524.
Distal myopathy with posterior leg and anterior hand involvement. Also called: WILLIAMS DISTAL MYOPATHY. Identifiers: Orphanet 63273, MedGen C3279722, MONDO:0013550, OMIM 614065.
Hypertrophic cardiomyopathy 26. Also called: Cardiomyopathy, familial hypertrophic, 26. Identifiers: Orphanet 75249, MedGen C4310749, MONDO:0014883, OMIM 617047.

Allele frequency attached by ClinVar (database versions not stated): gnomAD 0.00006 and 0.00010; TOPMed 0.00006; gnomAD exomes 0.00012 and 0.00018; 1000 Genomes Project 30x 0.00016; ExAC 0.00018; 1000 Genomes Project 0.00020.
gnomAD v4.1: 185 of 1,613,310 alleles (0.011%); highest among the groups gnomAD compares: South Asian, 0.09%; no homozygotes.

Submissions (6):

Labcorp Genetics (formerly Invitae), Labcorp
Classification: Likely benign for Distal myopathy with posterior leg and anterior hand involvement; Myofibrillar myopathy 5; Hypertrophic cardiomyopathy 26. Last evaluated: 2025-12-22. Review status: criteria provided, single submitter. Criteria: Invitae Variant Classification Sherloc (09022015). Collection method: clinical testing. Allele origin: germline.

PreventionGenetics, part of Exact Sciences
Classification: Likely benign for FLNC-related condition. Last evaluated: 2025-03-05. Review status: criteria provided, single submitter. Criteria: ACMG Guidelines, 2015. Collection method: clinical testing. Allele origin: germline.
Comment: This variant is classified as likely benign based on ACMG/AMP sequence variant interpretation guidelines (Richards et al. 2015 PMID: 25741868, with internal and published modifications).

Blueprint Genetics
Classification: Likely benign. Last evaluated: 2024-10-07. Review status: criteria provided, single submitter. Criteria: ACMG Guidelines, 2015. Collection method: clinical testing. Allele origin: germline.

Women's Health and Genetics/Laboratory Corporation of America, LabCorp
Classification: Likely benign. Last evaluated: 2023-12-04. Review status: criteria provided, single submitter. Criteria: LabCorp Variant Classification Summary - May 2015. Collection method: clinical testing. Allele origin: germline.
Comment: Variant summary: FLNC c.5944C>T (p.Arg1982Cys) results in a non-conservative amino acid change in the encoded protein sequence. Four of five in-silico tools predict a damaging effect of the variant on protein function. The variant allele was found at a frequency of 0.00018 in 248716 control chromosomes, predominantly at a frequency of 0.001 within the South Asian subpopulation in the gnomAD database. The observed variant frequency within South Asian control individuals in the gnomAD database is approximately 128 fold of the estimated maximal expected allele frequency for a pathogenic variant in FLNC causing Dilated Cardiomyopathy phenotype (7.8e-06), strongly suggesting that the variant is a benign polymorphism found primarily in populations of South Asian origin. c.5944C>T has been reported in the literature in at-least one individual with a family history for dilated cardiomyopathy (example: Mori_2022). This report does not provide unequivocal conclusions about association of the variant with Dilated Cardiomyopathy. To our knowledge, no experimental evidence demonstrating an impact on protein function has been reported. The following publication has been ascertained in the context of this evaluation (PMID: 35463915). Three submitters have cited clinical-significance assessments for this variant to ClinVar after 2014 and classified the variant as VUS (n=1) and likely benign (n=2). Based on the evidence outlined above, the variant was classified as likely benign.

Ambry Genetics
Classification: Likely benign for Cardiovascular phenotype. Last evaluated: 2022-04-05. Review status: criteria provided, single submitter. Criteria: Ambry Variant Classification Scheme 2023. Collection method: clinical testing. Allele origin: germline.

Revvity Omics, Revvity
Classification: Uncertain significance. Last evaluated: 2019-06-25. Review status: criteria provided, single submitter. Criteria: ACMG Guidelines, 2015. Collection method: clinical testing. Allele origin: germline.

Literature cited by the submitters: PubMed 35463915 (cited by Women's Health and Genetics/Laboratory Corporation of America, LabCorp).